The following is an entry in ClinVar:

NM_004366.6(CLCN2):c.898+1G>A

Gene: CLCN2 (chloride voltage-gated channel 2; minus strand). Cytogenetic location: 3q27.1.
Variant type: single nucleotide variant.
Coding change: c.898+1G>A on transcript NM_004366.6 (MANE Select); the canonical splice donor site of the intron after coding-DNA position 898, G replaced by A.
Molecular consequence: splice donor variant.
Genome position (GRCh38, 1-based): chr3:184,357,361, C>T on the plus strand (G>A on the coding strand, the complement: CLCN2 is on the minus strand). VCF-style: chr3-184357361-C-T. GRCh37 (hg19) VCF-style: chr3-184075149-C-T.
Other names: c.766+1G>A (NM_001171088.3); c.898+1G>A (NM_001171087.3, NM_001171089.3).
Identifiers: ClinVar variation 1194517 (VCV001194517.10), dbSNP rs141074059, ClinGen allele CA2734332.

ClinVar aggregate classification (germline): Likely pathogenic. Review status: criteria provided, multiple submitters, no conflicts (2 of 4 stars). 3 submissions from 3 submitters: Likely pathogenic (3). Last evaluated 2024-03-04.

Conditions:
Familial hyperaldosteronism type II. Also called: FH II. Identifiers: Orphanet 404, MedGen C1854107, MONDO:0011576, OMIM 605635.
Epilepsy, idiopathic generalized, susceptibility to, 11 (EIG11). Identifiers: Orphanet 307, MedGen C2750893, MONDO:0011875, OMIM 607628.
Leukoencephalopathy with mild cerebellar ataxia and white matter edema (LKPAT). Also called: Leukoencephalopathy with ataxia; Leukoencephalopathy with white matter edema; Brain white matter edema; CLCN2-Related Leukoencephalopathy. Identifiers: Orphanet 363540, MedGen C4554120, MONDO:0014292, OMIM 615651. Disease mechanism: loss of function.

Allele frequency attached by ClinVar (database versions not stated): gnomAD exomes 0.00001 and 0.00002; ExAC 0.00002; gnomAD 0.00008 and 0.00009; TOPMed 0.00008; ESP Exome Variant Server 0.00015.
gnomAD v4.1: 21 of 1,613,960 alleles (0.0013%); highest among the groups gnomAD compares: African/African-American, 0.027%; no homozygotes.

Submissions (4):

Fulgent Genetics
Classification: Likely pathogenic for Familial hyperaldosteronism type II; Epilepsy, idiopathic generalized, susceptibility to, 11; Leukoencephalopathy with mild cerebellar ataxia and white matter edema. Last evaluated: 2024-03-04. Review status: criteria provided, single submitter. Criteria: ACMG Guidelines, 2015. Collection method: clinical testing. Allele origin: germline.

Labcorp Genetics (formerly Invitae), Labcorp
Classification: Likely pathogenic. Last evaluated: 2023-07-07. Review status: criteria provided, single submitter. Criteria: Invitae Variant Classification Sherloc (09022015). Collection method: clinical testing. Allele origin: germline.
Comment: In summary, the currently available evidence indicates that the variant is pathogenic, but additional data are needed to prove that conclusively. Therefore, this variant has been classified as Likely Pathogenic. Algorithms developed to predict the effect of sequence changes on RNA splicing suggest that this variant may disrupt the consensus splice site. ClinVar contains an entry for this variant (Variation ID: 1194517). This variant has not been reported in the literature in individuals affected with CLCN2-related conditions. This variant is present in population databases (rs141074059, gnomAD 0.04%). This sequence change affects a donor splice site in intron 8 of the CLCN2 gene. It is expected to disrupt RNA splicing. Variants that disrupt the donor or acceptor splice site typically lead to a loss of protein function (PMID: 16199547), and loss-of-function variants in CLCN2 are known to be pathogenic (PMID: 23707145).

GeneDx
Classification: Likely pathogenic. Last evaluated: 2020-12-10. Review status: criteria provided, single submitter. Criteria: GeneDx Variant Classification Process June 2021. Collection method: clinical testing. Allele origin: germline. Affected: yes.
Comment: Has not been previously published as pathogenic or benign to our knowledge; Canonical splice site variant expected to result in aberrant splicing, although in the absence of functional evidence, the actual effect of this sequence change is unknown.; Not observed at a significant frequency in large population cohorts (Lek et al., 2016)

Dr. Peter K. Rogan Lab, Western University
No classification provided (evidence only). Condition: Uterine corpus endometrial carcinoma. Review status: no classification provided. Collection method: in vitro. Allele origin: not applicable. Functional consequence: retained intron. Not counted in ClinVar's aggregate classification.

Literature cited by the submitters: PubMed 16199547 (cited by Labcorp Genetics (formerly Invitae), Labcorp); PubMed 23707145 (cited by Labcorp Genetics (formerly Invitae), Labcorp).